The following is an entry in ClinVar:

ClinVar aggregate classification (germline): Uncertain significance (1 of 4 stars; one submission).

Conditions:
Combined immunodeficiency due to CD3gamma deficiency. Also called: CD3-GAMMA DEFICIENCY; SCID-LIKE IMMUNODEFICIENCY, T CELL-PARTIAL, B CELL-POSITIVE, NK CELL-POSITIVE; Immunodeficiency 17, CD3 gamma deficient; Immunodeficiency 17. Identifiers: Orphanet 169082, MedGen C3810107, MONDO:0014276, OMIM 615607.

Submission:

Labcorp Genetics (formerly Invitae), Labcorp
Classification: Uncertain significance for Combined immunodeficiency due to CD3gamma deficiency. Last evaluated: 2022-07-06. Review status: criteria provided, single submitter. Criteria: Invitae Variant Classification Sherloc (09022015). Collection method: clinical testing. Allele origin: germline.
Comment: In summary, the available evidence is currently insufficient to determine the role of this variant in disease. Therefore, it has been classified as a Variant of Uncertain Significance. Algorithms developed to predict the effect of missense changes on protein structure and function output the following: SIFT: "Tolerated"; PolyPhen-2: "Benign"; Align-GVGD: "Class C0". The valine amino acid residue is found in multiple mammalian species, which suggests that this missense change does not adversely affect protein function. ClinVar contains an entry for this variant (Variation ID: 1491711). This variant has not been reported in the literature in individuals affected with CD3G-related conditions. This variant is not present in population databases (gnomAD no frequency). This sequence change replaces alanine, which is neutral and non-polar, with valine, which is neutral and non-polar, at codon 113 of the CD3G protein (p.Ala113Val).

NM_000073.3(CD3G):c.338C>T (p.Ala113Val)

Genes: CD3G (CD3 gamma subunit of T-cell receptor complex; plus strand), LOC126861358 (BRD4-independent group 4 enhancer GRCh37_chr11:118220212-118221411; plus strand). Cytogenetic location: 11q23.3.
Variant type: single nucleotide variant.
Coding change: c.338C>T on transcript NM_000073.3 (MANE Select); coding-DNA position 338, C replaced by T.
Protein change: p.Ala113Val; replaces alanine 113 with valine.
Molecular consequence: missense variant.
Genome position (GRCh38, 1-based): chr11:118,350,582, C>T. VCF-style: chr11-118350582-C-T. GRCh37 (hg19) VCF-style: chr11-118221297-C-T.
Other names: short protein forms A113V.
Identifiers: ClinVar variation 1491711 (VCV001491711.8), dbSNP rs2134070662, ClinGen allele CA382793783.